The following is an entry in ClinVar:

NM_002739.5(PRKCG):c.358C>T (p.Leu120Phe)

Gene: PRKCG (protein kinase C gamma; plus strand). Cytogenetic location: 19q13.42.
Variant type: single nucleotide variant.
Coding change: c.358C>T on transcript NM_002739.5 (MANE Select); coding-DNA position 358, C replaced by T.
Protein change: p.Leu120Phe; replaces leucine 120 with phenylalanine.
Molecular consequence: missense variant.
Genome position (GRCh38, 1-based): chr19:53,889,710, C>T. VCF-style: chr19-53889710-C-T. GRCh37 (hg19) VCF-style: chr19-54392964-C-T.
Other names: c.358C>T, p.Leu120Phe (NM_001316329.2); short protein forms L120F.
Identifiers: ClinVar variation 1027477 (VCV001027477.3), dbSNP rs2122988567, ClinGen allele CA407414239.

ClinVar aggregate classification (germline): Likely pathogenic. Review status: criteria provided, multiple submitters, no conflicts (2 of 4 stars). 2 submissions from 2 submitters: Likely pathogenic (2). Last evaluated 2021-11-09.

Conditions:
Spinocerebellar ataxia type 14 (SCA14). Identifiers: Orphanet 98763, MedGen C1854369, MONDO:0011540, OMIM 605361.

Submissions (2):

MGZ Medical Genetics Center
Classification: Likely pathogenic for Spinocerebellar ataxia type 14. Last evaluated: 2021-11-09. Review status: criteria provided, single submitter. Criteria: ACMG Guidelines, 2015. Collection method: clinical testing. Allele origin: germline. Affected: yes. Observed: 1 variant allele.
Comment: ACMG criteria applied: PM1, PS4_SUP, PM2_SUP, PP2, PP3

Molecular Medicine for Neurodegenerative and Neuromuscular Diseases Unit, IRCCS Fondazione Stella Maris
Classification: Likely pathogenic for Spinocerebellar ataxia type 14. Last evaluated: 2021-07-12. Review status: criteria provided, single submitter. Criteria: ACMG Guidelines, 2015. Collection method: research. Allele origin: inherited. Affected: yes.